The following is an entry in ClinVar:

ClinVar aggregate classification (germline): Conflicting classifications of pathogenicity. Review status: criteria provided, conflicting classifications (1 of 4 stars). 2 submissions from 2 submitters: Likely pathogenic (1); Uncertain significance (1). Last evaluated 2025-08-25.

Allele frequency attached by ClinVar (database versions not stated): gnomAD exomes 0.00001; ExAC 0.00001; gnomAD 0.00001.
gnomAD v4.1: 7 of 1,547,724 alleles (0.00045%); highest among the groups gnomAD compares: African/African-American, 0.0028%; no homozygotes.

Submissions (2):

GeneDx
Classification: Likely pathogenic. Last evaluated: 2025-08-25. Review status: criteria provided, single submitter. Criteria: GeneDx Variant Classification Process June 2021. Collection method: clinical testing. Allele origin: germline. Affected: yes.
Comment: Canonical splice site variant predicted to result in an in-frame loss of the adjacent exon in a gene for which loss of function is a known mechanism of disease; Not observed at significant frequency in large population cohorts (gnomAD); Has not been previously published as pathogenic or benign to our knowledge

Labcorp Genetics (formerly Invitae), Labcorp
Classification: Uncertain significance. Last evaluated: 2025-08-09. Review status: criteria provided, single submitter. Criteria: Invitae Variant Classification Sherloc (09022015). Collection method: clinical testing. Allele origin: germline.
Comment: This sequence change affects a donor splice site in intron 5 of the PPA2 gene. It is expected to disrupt RNA splicing. Variants that disrupt the donor or acceptor splice site typically lead to a loss of protein function (PMID: 16199547), however the current clinical and genetic evidence is not sufficient to establish whether loss-of-function variants in PPA2 cause disease. This variant is present in population databases (rs769821441, gnomAD 0.008%). This variant has not been reported in the literature in individuals affected with PPA2-related conditions. ClinVar contains an entry for this variant (Variation ID: 1495013). Algorithms developed to predict the effect of sequence changes on RNA splicing suggest that this variant may disrupt the consensus splice site. In summary, the available evidence is currently insufficient to determine the role of this variant in disease. Therefore, it has been classified as a Variant of Uncertain Significance.

Literature cited by the submitters: PubMed 16199547 (cited by Labcorp Genetics (formerly Invitae), Labcorp).

NM_176869.3(PPA2):c.441+1G>C

Gene: PPA2 (inorganic pyrophosphatase 2; minus strand). Cytogenetic location: 4q24.
Variant type: single nucleotide variant.
Coding change: c.441+1G>C on transcript NM_176869.3 (MANE Select); the canonical splice donor site of the intron after coding-DNA position 441, G replaced by C.
Molecular consequence: splice donor variant. On other transcripts: intron variant (2).
Genome position (GRCh38, 1-based): chr4:105,446,382, C>G on the plus strand (G>C on the coding strand, the complement: PPA2 is on the minus strand). VCF-style: chr4-105446382-C-G. GRCh37 (hg19) VCF-style: chr4-106367539-C-G.
Other names: c.157+27512G>C (NM_176867.3); c.222+10299G>C (NM_176866.2); c.441+1G>C (NM_006903.4).
Identifiers: ClinVar variation 1495013 (VCV001495013.7), dbSNP rs769821441, ClinGen allele CA3032554.